The following is an entry in ClinVar:

NM_003742.4(ABCB11):c.1679G>A (p.Ser560Asn)

Gene: ABCB11 (ATP binding cassette subfamily B member 11; minus strand). Cytogenetic location: 2q31.1.
Variant type: single nucleotide variant.
Coding change: c.1679G>A on transcript NM_003742.4 (MANE Select); coding-DNA position 1679, G replaced by A.
Protein change: p.Ser560Asn; replaces serine 560 with asparagine.
Molecular consequence: missense variant.
Genome position (GRCh38, 1-based): chr2:168,970,175, C>T on the plus strand (G>A on the coding strand, the complement: ABCB11 is on the minus strand). VCF-style: chr2-168970175-C-T. GRCh37 (hg19) VCF-style: chr2-169826685-C-T.
Other names: short protein forms S560N.
Identifiers: ClinVar variation 2585447 (VCV002585447.1), dbSNP rs1187818271, ClinGen allele CA349114127.
Genomic context (GRCh38, chr2:168,970,175, plus strand): 5'-AGAATCTTGGGATTTCGGATGAGGGCTCTGGCGATAGCTACCCTTTGTTTCTGGCCACCA[C>T]TCATCTGGCCTCCTCCTTCTCCAACAAGGGTGTCAAATTGCTAGATGGAAGGTGACACCA-3'
Protein context (NP_003733.2, residues 550-570): TLVGEGGGQM[Ser560Asn]GGQKQRVAIA

ClinVar aggregate classification (germline): Uncertain significance (1 of 4 stars; one submission).

Conditions:
Progressive familial intrahepatic cholestasis type 2. Identifiers: Orphanet 79304, MedGen C3489789, MONDO:0011156, OMIM 601847.

Allele frequency attached by ClinVar (database versions not stated): TOPMed below 0.00001; gnomAD 0.00001.
gnomAD v4.1: 1 of 1,612,470 alleles (0.000062%); highest among the groups gnomAD compares: Non-Finnish European, 0.000085%; no homozygotes.

Submission:

Neuberg Centre For Genomic Medicine, NCGM
Classification: Uncertain significance for Progressive familial intrahepatic cholestasis type 2. Review status: criteria provided, single submitter. Criteria: ACMG Guidelines, 2015. Collection method: clinical testing. Allele origin: germline. Inheritance: Autosomal recessive inheritance. Affected: yes.
Comment: The missense variant c.1679G>A (p.Ser560Asn) in ABCB11 gene has not been reported previously as a pathogenic variant nor as a benign variant, to our knowledge. This variant is novel (not in any individuals) in gnomAD Exomes and 1000 Genomes. The amino acid Serine at position 560 is changed to a Asparagine changing protein sequence and it might alter its composition and physico-chemical properties. The variant is predicted to be damaging by both SIFT and PolyPhen2. The residue is conserved across species. For these reasons, this variant has been classified as Uncertain Significance.